The following is an entry in ClinVar:

ClinVar aggregate classification (germline): Uncertain significance (1 of 4 stars; one submission).

Conditions:
Joubert syndrome. Also called: CEREBELLOPARENCHYMAL DISORDER IV; JOUBERT-BOLTSHAUSER SYNDROME; Familial aplasia of the vermis. Identifiers: Orphanet 475, MedGen C5979921, MONDO:0018772.
Orofaciodigital syndrome I (OFD1). Also called: OFDS I; Papillon-Leage and Psaume Syndrome; Oral-Facial-Digital Syndrome Type I. Identifiers: Orphanet 2750, MedGen C1510460, MONDO:0010702, OMIM 311200.

Submission:

Labcorp Genetics (formerly Invitae), Labcorp
Classification: Uncertain significance for Orofaciodigital syndrome I; Joubert syndrome. Last evaluated: 2024-08-07. Review status: criteria provided, single submitter. Criteria: Invitae Variant Classification Sherloc (09022015). Collection method: clinical testing. Allele origin: germline.
Comment: This sequence change replaces glutamine, which is neutral and polar, with leucine, which is neutral and non-polar, at codon 354 of the OFD1 protein (p.Gln354Leu). This variant is not present in population databases (gnomAD no frequency). This variant has not been reported in the literature in individuals affected with OFD1-related conditions. Advanced modeling of protein sequence and biophysical properties (such as structural, functional, and spatial information, amino acid conservation, physicochemical variation, residue mobility, and thermodynamic stability) performed at Invitae indicates that this missense variant is not expected to disrupt OFD1 protein function with a negative predictive value of 80%. In summary, the available evidence is currently insufficient to determine the role of this variant in disease. Therefore, it has been classified as a Variant of Uncertain Significance.

NM_003611.3(OFD1):c.1061A>T (p.Gln354Leu)

Gene: OFD1 (OFD1 centriole and centriolar satellite protein; plus strand). Cytogenetic location: Xp22.2.
Variant type: single nucleotide variant.
Coding change: c.1061A>T on transcript NM_003611.3 (MANE Select); coding-DNA position 1061, A replaced by T.
Protein change: p.Gln354Leu; replaces glutamine 354 with leucine.
Molecular consequence: missense variant.
Genome position (GRCh38, 1-based): chrX:13,753,373, A>T. VCF-style: chrX-13753373-A-T. GRCh37 (hg19) VCF-style: chrX-13771492-A-T.
Other names: c.941A>T, p.Gln314Leu (NM_001330209.2); c.641A>T, p.Gln214Leu (NM_001330210.2); short protein forms Q214L, Q314L, Q354L.
Identifiers: ClinVar variation 3747972 (VCV003747972.2).